The following is an entry in ClinVar:

ClinVar aggregate classification (germline): Likely benign. Review status: criteria provided, multiple submitters, no conflicts (2 of 4 stars). 6 submissions from 6 submitters: Likely benign (6). Last evaluated 2025-08-13.

Conditions:
DSP-related disorder. Also called: DSP-related condition; DSP-related disorders.
Cardiovascular phenotype. Identifiers: MedGen CN230736.
Cardiomyopathy (CMYO). Also called: Cardiomyopathies. Identifiers: Orphanet 167848, MedGen C0878544, MONDO:0004994, HP:0001638. Inheritance: Various modes of inheritance.
Arrhythmogenic cardiomyopathy with wooly hair and keratoderma. Also called: Carvajal syndrome; PALMOPLANTAR KERATODERMA WITH LEFT VENTRICULAR CARDIOMYOPATHY AND WOOLLY HAIR; Arrhythmogenic cardiomyopathy with woolly hair and keratoderma; Dilated cardiomyopathy with woolly hair and keratoderma. Identifiers: Orphanet 65282, MedGen C1854063, MONDO:0011581, OMIM 605676.
Arrhythmogenic right ventricular dysplasia 8 (ARVD8). Also called: Arrhythmogenic Right Ventricular Dysplasia/Cardiomyopathy 8; ARRHYTHMOGENIC RIGHT VENTRICULAR DYSPLASIA, FAMILIAL, 8; ARRHYTHMOGENIC RIGHT VENTRICULAR CARDIOMYOPATHY 8. Identifiers: MedGen C1843896, MONDO:0011831, OMIM 607450.

Allele frequency attached by ClinVar (database versions not stated): TOPMed 0.00002.
gnomAD v4.1: 23 of 1,609,454 alleles (0.0014%); highest among the groups gnomAD compares: Admixed American, 0.0034%; no homozygotes.

Submissions (6):

Labcorp Genetics (formerly Invitae), Labcorp
Classification: Likely benign for Arrhythmogenic cardiomyopathy with wooly hair and keratoderma; Arrhythmogenic right ventricular dysplasia 8. Last evaluated: 2025-08-13. Review status: criteria provided, single submitter. Criteria: Invitae Variant Classification Sherloc (09022015). Collection method: clinical testing. Allele origin: germline.

PreventionGenetics, part of Exact Sciences
Classification: Likely benign for DSP-related condition. Last evaluated: 2024-12-19. Review status: criteria provided, single submitter. Criteria: ACMG Guidelines, 2015. Collection method: clinical testing. Allele origin: germline.
Comment: This variant is classified as likely benign based on ACMG/AMP sequence variant interpretation guidelines (Richards et al. 2015 PMID: 25741868, with internal and published modifications).

Ambry Genetics
Classification: Likely benign for Cardiovascular phenotype. Last evaluated: 2024-08-28. Review status: criteria provided, single submitter. Criteria: Ambry Variant Classification Scheme 2023. Collection method: clinical testing. Allele origin: germline.

Color Diagnostics, LLC DBA Color Health
Classification: Likely benign for Cardiomyopathy. Last evaluated: 2023-12-05. Review status: criteria provided, single submitter. Criteria: ACMG Guidelines, 2015. Collection method: clinical testing. Allele origin: germline.

CeGaT Center for Human Genetics Tuebingen
Classification: Likely benign. Last evaluated: 2023-08-01. Review status: criteria provided, single submitter. Criteria: CeGaT Center For Human Genetics Tuebingen Variant Classification Criteria Version 2. Collection method: clinical testing. Allele origin: germline. Affected: yes. Observed: 1 variant allele.
Comment: DSP: BP4, BP7

Laboratory for Molecular Medicine, Mass General Brigham Personalized Medicine
Classification: Likely benign. Last evaluated: 2015-04-06. Review status: criteria provided, single submitter. Criteria: LMM Criteria. Collection method: clinical testing. Allele origin: germline. Observed: 1 variant allele.
Comment: p.Ser2831Ser in exon 24 of DSP: This variant is not expected to have clinical si gnificance because it does not alter an amino acid residue and is not located wi thin the splice consensus sequence. It has been identified in 1/65922 European c hromosomes by the Exome Aggregation Consortium (ExAC .org).

NM_004415.4(DSP):c.8493G>A (p.Ser2831=)

Gene: DSP (desmoplakin; plus strand). Cytogenetic location: 6p24.3.
Variant type: single nucleotide variant.
Coding change: c.8493G>A on transcript NM_004415.4 (MANE Select); coding-DNA position 8493, G replaced by A.
Protein change: p.Ser2831=; no amino-acid change (serine 2831 retained).
Molecular consequence: synonymous variant.
Genome position (GRCh38, 1-based): chr6:7,585,755, G>A. VCF-style: chr6-7585755-G-A. GRCh37 (hg19) VCF-style: chr6-7585988-G-A.
Other names: c.8493G>A (NM_004415.3); c.6696G>A, p.Ser2232= (NM_001008844.3); c.7164G>A, p.Ser2388= (NM_001319034.2).
Identifiers: ClinVar variation 227346 (VCV000227346.44), dbSNP rs397516969, ClinGen allele CA3628105.